The following is an entry in ClinVar:

ClinVar aggregate classification (germline): Likely benign (1 of 4 stars; one submission).

gnomAD v4.1: 510 of 1,564,908 alleles (0.033%); highest among the groups gnomAD compares: Admixed American, 0.19%; 1 homozygote.

Submission:

CeGaT Center for Human Genetics Tuebingen
Classification: Likely benign. Last evaluated: 2026-09-01. Review status: criteria provided, single submitter. Criteria: CeGaT Center For Human Genetics Tuebingen Variant Classification Criteria Version 2. Collection method: clinical testing. Allele origin: germline. Affected: yes. Observed: 3 variant alleles.
Comment: SNAPC4: BP4, BP7

NM_003086.4(SNAPC4):c.1740C>T (p.Ser580=)

Gene: SNAPC4 (small nuclear RNA activating complex polypeptide 4; minus strand). Cytogenetic location: 9q34.3.
Variant type: single nucleotide variant.
Coding change: c.1740C>T on transcript NM_003086.4 (MANE Select); coding-DNA position 1740, C replaced by T.
Protein change: p.Ser580=; no amino-acid change (serine 580 retained).
Molecular consequence: synonymous variant.
Genome position (GRCh38, 1-based): chr9:136,383,429, G>A on the plus strand (C>T on the coding strand, the complement: SNAPC4 is on the minus strand). VCF-style: chr9-136383429-G-A. GRCh37 (hg19) VCF-style: chr9-139277881-G-A.
Other names: c.1740C>T, p.Ser580= (NM_001394201.1, NM_001394202.1, NM_001394203.1).
Identifiers: ClinVar variation 4083882 (VCV004083882.8).
Genomic context (GRCh38, chr9:136,383,429, plus strand): 5'-AGGGCTGAGGGAGGCAGCGGGGCCTCCCAGCCAGGCCCCTGCCCCTCCTCTCCATGGCTG[G>A]CTGGTGCTCTGCCTGGCAGGAACCCACAGGTCCATGTCCGGGACCATGTACTGTGGGGAC-3'
Protein context (NP_003077.2, residues 570-590): DLWVPARQST[Ser580=]QPWRGGAGAW